The following is an entry in ClinVar:

ClinVar aggregate classification (germline): Likely pathogenic (1 of 4 stars; one submission).

Conditions:
Thrombophilia due to protein S deficiency, autosomal recessive (THPH6). Identifiers: Orphanet 743, MedGen C3281092, MONDO:0013791, OMIM 614514. Disease mechanism: loss of function.

Allele frequency attached by ClinVar (database versions not stated): gnomAD exomes below 0.00001.
gnomAD v4.1: 1 of 1,612,548 alleles (0.000062%); highest among the groups gnomAD compares: East Asian, 0.0022%; no homozygotes.

Submission:

Labcorp Genetics (formerly Invitae), Labcorp
Classification: Likely pathogenic for Thrombophilia due to protein S deficiency, autosomal recessive. Last evaluated: 2021-05-12. Review status: criteria provided, single submitter. Criteria: Invitae Variant Classification Sherloc (09022015). Collection method: clinical testing. Allele origin: germline.
Comment: In summary, the currently available evidence indicates that the variant is pathogenic, but additional data are needed to prove that conclusively. Therefore, this variant has been classified as Likely Pathogenic. Algorithms developed to predict the effect of sequence changes on RNA splicing suggest that this variant may disrupt the consensus splice site, but this prediction has not been confirmed by published transcriptional studies. This variant has been observed in individual(s) with clinical features of protein S deficiency (PMID: 22627591). This variant is not present in population databases (ExAC no frequency). This sequence change affects a donor splice site in intron 7 of the PROS1 gene. It is expected to disrupt RNA splicing. Variants that disrupt the donor or acceptor splice site typically lead to a loss of protein function (PMID: 16199547), and loss-of-function variants in PROS1 are known to be pathogenic (PMID: 9241758).

Literature cited by the submitters: PubMed 22627591; PubMed 16199547; PubMed 9241758.

NM_000313.4(PROS1):c.727+1G>A

Gene: PROS1 (protein S; minus strand). Cytogenetic location: 3q11.1.
Variant type: single nucleotide variant.
Coding change: c.727+1G>A on transcript NM_000313.4 (MANE Select); the canonical splice donor site of the intron after coding-DNA position 727, G replaced by A.
Molecular consequence: splice donor variant.
Genome position (GRCh38, 1-based): chr3:93,900,803, C>T on the plus strand (G>A on the coding strand, the complement: PROS1 is on the minus strand). VCF-style: chr3-93900803-C-T. GRCh37 (hg19) VCF-style: chr3-93619647-C-T.
Other names: c.823+1G>A (NM_001314077.2).
Identifiers: ClinVar variation 1478150 (VCV001478150.8), dbSNP rs1332591784, ClinGen allele CA353673063.
Genomic context (GRCh38, chr3:93,900,803, plus strand): 5'-ATCAGTTCAGGGTTCACACCCACCCTCTCCACCATCAGTAATGATACCACCATCATCCTA[C>T]CTTCACAAGACTTTGATTTGAGATTATATCTGTAGCCTTCGGGGCATTCACATTCAAAAT-3'